The following is an entry in ClinVar:

ClinVar aggregate classification (germline): Uncertain significance. Review status: criteria provided, multiple submitters, no conflicts (2 of 4 stars). 3 submissions from 3 submitters: Uncertain significance (3). Last evaluated 2024-08-19.

Conditions:
Cardiovascular phenotype. Identifiers: MedGen CN230736.
Cardiomyopathy (CMYO). Also called: Cardiomyopathies. Identifiers: Orphanet 167848, MedGen C0878544, MONDO:0004994, HP:0001638. Inheritance: Various modes of inheritance.
Arrhythmogenic right ventricular dysplasia 10. Also called: Arrhythmogenic Right Ventricular Dysplasia/Cardiomyopathy10; ARRHYTHMOGENIC RIGHT VENTRICULAR DYSPLASIA, FAMILIAL, 10; Arrhythmogenic right ventricular dysplasia/cardiomyopathy, type 10. Identifiers: MedGen C1857777, MONDO:0012434, OMIM 610193.

Allele frequency attached by ClinVar (database versions not stated): gnomAD exomes below 0.00001; TOPMed below 0.00001; gnomAD 0.00001.
gnomAD v4.1: 7 of 1,614,076 alleles (0.00043%); highest among the groups gnomAD compares: Non-Finnish European, 0.00059%; no homozygotes.

Submissions (3):

Ambry Genetics
Classification: Uncertain significance for Cardiovascular phenotype. Last evaluated: 2024-08-19. Review status: criteria provided, single submitter. Criteria: Ambry Variant Classification Scheme 2023. Collection method: clinical testing. Allele origin: germline.

Color Diagnostics, LLC DBA Color Health
Classification: Uncertain significance for Cardiomyopathy. Last evaluated: 2023-12-04. Review status: criteria provided, single submitter. Criteria: ACMG Guidelines, 2015. Collection method: clinical testing. Allele origin: germline.
Comment: This missense variant replaces asparagine with serine at codon 495 of the DSG2 protein. Computational prediction suggests that this variant may not impact protein structure and function (internally defined REVEL score threshold <= 0.5, PMID: 27666373). To our knowledge, functional studies have not been reported for this variant. This variant has not been reported in individuals affected with DSG2-related disorders in the literature. This variant has not been identified in the general population by the Genome Aggregation Database (gnomAD). The available evidence is insufficient to determine the role of this variant in disease conclusively. Therefore, this variant is classified as a Variant of Uncertain Significance.

Labcorp Genetics (formerly Invitae), Labcorp
Classification: Uncertain significance for Arrhythmogenic right ventricular dysplasia 10. Last evaluated: 2022-03-18. Review status: criteria provided, single submitter. Criteria: Invitae Variant Classification Sherloc (09022015). Collection method: clinical testing. Allele origin: germline.
Comment: This sequence change replaces asparagine, which is neutral and polar, with serine, which is neutral and polar, at codon 495 of the DSG2 protein (p.Asn495Ser). This variant is not present in population databases (gnomAD no frequency). This variant has not been reported in the literature in individuals affected with DSG2-related conditions. ClinVar contains an entry for this variant (Variation ID: 919933). Algorithms developed to predict the effect of missense changes on protein structure and function are either unavailable or do not agree on the potential impact of this missense change (SIFT: "Deleterious"; PolyPhen-2: "Possibly Damaging"; Align-GVGD: "Class C0"). In summary, the available evidence is currently insufficient to determine the role of this variant in disease. Therefore, it has been classified as a Variant of Uncertain Significance.

NM_001943.5(DSG2):c.1484A>G (p.Asn495Ser)

Gene: DSG2 (desmoglein 2; plus strand). Cytogenetic location: 18q12.1.
Variant type: single nucleotide variant.
Coding change: c.1484A>G on transcript NM_001943.5 (MANE Select); coding-DNA position 1484, A replaced by G.
Protein change: p.Asn495Ser; replaces asparagine 495 with serine.
Molecular consequence: missense variant.
Genome position (GRCh38, 1-based): chr18:31,536,262, A>G. VCF-style: chr18-31536262-A-G. GRCh37 (hg19) VCF-style: chr18-29116225-A-G.
Other names: c.1484A>G (NM_001943.3); short protein forms N495S.
Identifiers: ClinVar variation 919933 (VCV000919933.11), dbSNP rs1343972091, ClinGen allele CA402141410.